The following is an entry in ClinVar:

ClinVar aggregate classification (germline): Uncertain significance. Review status: criteria provided, multiple submitters, no conflicts (2 of 4 stars). 4 submissions from 4 submitters: Uncertain significance (4). Last evaluated 2026-03-20.

Conditions:
LCA5-related disorder. Also called: LCA5-related condition.
Inborn genetic diseases. Identifiers: MedGen C0950123, MeSH D030342.

Allele frequency attached by ClinVar (database versions not stated): TOPMed 0.00003; gnomAD 0.00004; gnomAD exomes 0.00006; ExAC 0.00016.
gnomAD v4.1: 144 of 1,537,356 alleles (0.0094%); highest among the groups gnomAD compares: Non-Finnish European, 0.013%; 1 homozygote.

Submissions (4):

PreventionGenetics, part of Exact Sciences
Classification: Uncertain significance for LCA5-related condition. Last evaluated: 2026-03-20. Review status: criteria provided, single submitter. Criteria: ACMG Guidelines, 2015. Collection method: clinical testing. Allele origin: germline.
Comment: The LCA5 c.875T>G variant is predicted to result in the amino acid substitution p.Leu292Arg. To our knowledge, this variant has not been reported in the literature. This variant is reported in 0.012% of alleles in individuals of European (Non-Finnish) descent in gnomAD. At this time, the clinical significance of this variant is uncertain due to the absence of conclusive functional and genetic evidence.

Ambry Genetics
Classification: Uncertain significance for Inborn genetic diseases. Last evaluated: 2024-10-28. Review status: criteria provided, single submitter. Criteria: Ambry Variant Classification Scheme 2023. Collection method: clinical testing. Allele origin: germline.

Labcorp Genetics (formerly Invitae), Labcorp
Classification: Uncertain significance. Last evaluated: 2024-10-24. Review status: criteria provided, single submitter. Criteria: Invitae Variant Classification Sherloc (09022015). Collection method: clinical testing. Allele origin: germline.
Comment: This sequence change replaces leucine, which is neutral and non-polar, with arginine, which is basic and polar, at codon 292 of the LCA5 protein (p.Leu292Arg). This variant is present in population databases (rs771203925, gnomAD 0.01%). This variant has not been reported in the literature in individuals affected with LCA5-related conditions. ClinVar contains an entry for this variant (Variation ID: 1463030). Invitae Evidence Modeling of protein sequence and biophysical properties (such as structural, functional, and spatial information, amino acid conservation, physicochemical variation, residue mobility, and thermodynamic stability) indicates that this missense variant is expected to disrupt LCA5 protein function with a positive predictive value of 80%. In summary, the available evidence is currently insufficient to determine the role of this variant in disease. Therefore, it has been classified as a Variant of Uncertain Significance.

Blueprint Genetics
Classification: Uncertain significance. Last evaluated: 2023-07-20. Review status: criteria provided, single submitter. Criteria: ACMG Guidelines, 2015. Collection method: clinical testing. Allele origin: germline.

NM_001122769.3(LCA5):c.875T>G (p.Leu292Arg)

Gene: LCA5 (lebercilin LCA5; minus strand). Cytogenetic location: 6q14.1.
Variant type: single nucleotide variant.
Coding change: c.875T>G on transcript NM_001122769.3 (MANE Select); coding-DNA position 875, T replaced by G.
Protein change: p.Leu292Arg; replaces leucine 292 with arginine.
Molecular consequence: missense variant.
Genome position (GRCh38, 1-based): chr6:79,492,631, A>C on the plus strand (T>G on the coding strand, the complement: LCA5 is on the minus strand). VCF-style: chr6-79492631-A-C. GRCh37 (hg19) VCF-style: chr6-80202348-A-C.
Other names: c.875T>G (NM_181714.3); c.875T>G, p.Leu292Arg (NM_181714.4); short protein forms L292R.
Identifiers: ClinVar variation 1463030 (VCV001463030.7), dbSNP rs771203925, ClinGen allele CA3900990.